The following is an entry in ClinVar:

ClinVar aggregate classification (germline): Uncertain significance (1 of 4 stars; one submission).

Conditions:
Early-infantile DEE. Also called: Early infantile epileptic encephalopathy; Ohtahara syndrome; Early infantile epileptic encephalopathy with suppression bursts. Identifiers: Orphanet 1934, MedGen C0393706, MONDO:0800491.

Submission:

Labcorp Genetics (formerly Invitae), Labcorp
Classification: Uncertain significance for Early-infantile DEE. Last evaluated: 2019-06-18. Review status: criteria provided, single submitter. Criteria: Invitae Variant Classification Sherloc (09022015). Collection method: clinical testing. Allele origin: germline.
Comment: This variant is not present in population databases (ExAC no frequency). This variant has not been reported in the literature in individuals with SCN1A-related conditions. Algorithms developed to predict the effect of missense changes on protein structure and function are either unavailable or do not agree on the potential impact of this missense change (SIFT: "Deleterious"; PolyPhen-2: "Probably Damaging"; Align-GVGD: "Class C0"). Algorithms developed to predict the effect of sequence changes on RNA splicing suggest that this variant may create or strengthen a splice site, but this prediction has not been confirmed by published transcriptional studies. In summary, the available evidence is currently insufficient to determine the role of this variant in disease. Therefore, it has been classified as a Variant of Uncertain Significance. This sequence change replaces methionine with isoleucine at codon 424 of the SCN1A protein (p.Met424Ile). The methionine residue is highly conserved and there is a small physicochemical difference between methionine and isoleucine.

NM_001165963.4(SCN1A):c.1272G>A (p.Met424Ile)

Gene: SCN1A (sodium voltage-gated channel alpha subunit 1; minus strand). Cytogenetic location: 2q24.3.
Variant type: single nucleotide variant.
Coding change: c.1272G>A on transcript NM_001165963.4 (MANE Select); coding-DNA position 1272, G replaced by A.
Protein change: p.Met424Ile; replaces methionine 424 with isoleucine.
Molecular consequence: missense variant. On other transcripts: 5 prime UTR variant (1), non-coding transcript variant (1).
Genome position (GRCh38, 1-based): chr2:166,046,875, C>T on the plus strand (G>A on the coding strand, the complement: SCN1A is on the minus strand). VCF-style: chr2-166046875-C-T. GRCh37 (hg19) VCF-style: chr2-166903385-C-T.
Other names: c.1272G>A, p.Met424Ile (NM_001165964.3, NM_001202435.3, NM_001353948.2 and 10 more transcripts); c.-1154G>A (NM_001353961.2); short protein forms M424I.
Identifiers: ClinVar variation 950560 (VCV000950560.10), dbSNP rs1697897988, ClinGen allele CA349070839.
Genomic context (GRCh38, chr2:166,046,875, plus strand): 5'-AAATTCGGCCTCTTTCTGTTCTGCTTCTTCCAAGGTGGCCTGATTCTGTTCCTCGTAGGC[C>T]ATGGCCACCACAGCCAGGATCAAATTTATTAGGTAGAATGAGCCCAAGAAAATGACCAAT-3'
Protein context (NP_001159435.1, residues 414-434): LINLILAVVA[Met424Ile]AYEEQNQATL